The following is an entry in ClinVar:

NM_001042492.3(NF1):c.403C>T (p.Arg135Trp)

Gene: NF1 (neurofibromin 1; plus strand). Cytogenetic location: 17q11.2.
Variant type: single nucleotide variant.
Coding change: c.403C>T on transcript NM_001042492.3 (MANE Select); coding-DNA position 403, C replaced by T.
Protein change: p.Arg135Trp; replaces arginine 135 with tryptophan.
Molecular consequence: missense variant.
Genome position (GRCh38, 1-based): chr17:31,163,300, C>T. VCF-style: chr17-31163300-C-T. GRCh37 (hg19) VCF-style: chr17-29490318-C-T.
Other names: c.403C>T, p.Arg135Trp (NM_000267.4, NM_001128147.3); short protein forms R135W.
Identifiers: ClinVar variation 220180 (VCV000220180.17), dbSNP rs775191883, ClinGen allele CA349631.

ClinVar aggregate classification (germline): Conflicting classifications of pathogenicity. Review status: criteria provided, conflicting classifications (1 of 4 stars). 5 submissions from 5 submitters: Uncertain significance (4); Likely benign (1). Last evaluated 2026-01-06.

Conditions:
Hereditary cancer-predisposing syndrome. Also called: Tumor predisposition; Hereditary neoplastic syndrome; Neoplastic Syndromes, Hereditary; Hereditary Cancer Syndrome. Identifiers: Orphanet 140162, MedGen C0027672, MeSH D009386, MONDO:0015356.
Cardiovascular phenotype. Identifiers: MedGen CN230736.
Neurofibromatosis, type 1 (NF1). Also called: Peripheral type neurofibromatosis; NEUROFIBROMATOSIS, TYPE I, SOMATIC; Neurofibromatosis, type I; VON RECKLINGHAUSEN DISEASE. Identifiers: Orphanet 636, MedGen C0027831, MONDO:0018975, OMIM 162200. Disease mechanism: loss of function.

Allele frequency attached by ClinVar (database versions not stated): gnomAD exomes below 0.00001; TOPMed below 0.00001; ExAC 0.00001; gnomAD 0.00001.
gnomAD v4.1: 11 of 1,613,994 alleles (0.00068%); highest among the groups gnomAD compares: South Asian, 0.0011%; no homozygotes.

Submissions (5):

Labcorp Genetics (formerly Invitae), Labcorp
Classification: Likely benign for Neurofibromatosis, type 1. Last evaluated: 2026-01-06. Review status: criteria provided, single submitter. Criteria: Invitae Variant Classification Sherloc (09022015). Collection method: clinical testing. Allele origin: germline.

Ambry Genetics
Classification: Uncertain significance for Cardiovascular phenotype; Hereditary cancer-predisposing syndrome. Last evaluated: 2025-03-28. Review status: criteria provided, single submitter. Criteria: Ambry Variant Classification Scheme 2023. Collection method: clinical testing. Allele origin: germline.
Comment: The p.R135W variant (also known as c.403C>T), located in coding exon 4 of the NF1 gene, results from a C to T substitution at nucleotide position 403. The arginine at codon 135 is replaced by tryptophan, an amino acid with dissimilar properties. This variant was detected in an individual with spinal neurofibromatosis, however it is noted that this individual was also identified to carry an additional NF1 truncating variant (Paterra R et al. Cancers (Basel), 2022 Dec;15). This amino acid position is highly conserved in available vertebrate species. In addition, this alteration is predicted to be deleterious by in silico analysis. Based on the available evidence, the clinical significance of this variant remains unclear.

Quest Diagnostics Nichols Institute San Juan Capistrano
Classification: Uncertain significance. Last evaluated: 2025-01-23. Review status: criteria provided, single submitter. Criteria: Quest Diagnostics criteria. Collection method: clinical testing. Allele origin: unknown.

ARUP Laboratories, Molecular Genetics and Genomics, ARUP Laboratories
Classification: Uncertain significance. Last evaluated: 2024-10-09. Review status: criteria provided, single submitter. Criteria: ARUP Molecular Germline Variant Investigation Process 2024. Collection method: clinical testing. Allele origin: germline.
Comment: The NF1 c.403C>T; p.Arg135Trp variant (rs775191883, ClinVar Variation ID 220180) is reported along with a truncating NF1 variant in an individual with neurofibromatosis; however, phasing of these variants was not determined (Paterra 2022). The Arg135Trp variant is only observed on one allele in the Genome Aggregation Database (v2.1.1), indicating it is not a common polymorphism. Computational analyses are uncertain whether the Arg135Trp variant is neutral or deleterious (REVEL: 0.58). Due to limited information, the clinical significance of this variant is uncertain at this time. References: Paterra R et al. A Translational Approach to Spinal Neurofibromatosis: Clinical and Molecular Insights from a Wide Italian Cohort. Cancers (Basel). 2022 Dec 22. PMID: 36612057.

Genome-Nilou Lab
Classification: Uncertain significance for Neurofibromatosis, type 1. Last evaluated: 2022-03-15. Review status: criteria provided, single submitter. Criteria: ACMG Guidelines, 2015. Collection method: clinical testing. Allele origin: germline. Affected: no.

Literature cited by the submitters: PubMed 36612057 (cited by Ambry Genetics).